The following is an entry in ClinVar:

NM_000051.4(ATM):c.6595T>G (p.Ser2199Ala)

Genes: ATM (ATM serine/threonine kinase; plus strand), C11orf65 (chromosome 11 open reading frame 65; minus strand). Cytogenetic location: 11q22.3.
Variant type: single nucleotide variant.
Coding change: c.6595T>G on transcript NM_000051.4 (MANE Select); coding-DNA position 6595, T replaced by G.
Protein change: p.Ser2199Ala; replaces serine 2199 with alanine.
Molecular consequence: missense variant. On other transcripts: intron variant (2).
Genome position (GRCh38, 1-based): chr11:108,325,332, T>G. VCF-style: chr11-108325332-T-G. GRCh37 (hg19) VCF-style: chr11-108196059-T-G.
Other names: c.6595T>G, p.Ser2199Ala (NM_001351834.2); c.641-16261A>C (NM_001330368.2); c.*38+9888A>C (NM_001351110.2); short protein forms S2199A.
Identifiers: ClinVar variation 3452280 (VCV003452280.1).
Genomic context (GRCh38, chr11:108,325,332, plus strand): 5'-TTCTCTTGCTTACATGAACTCTATGTCGTGGCATTCAGATCAGTCACACATAGACAACTC[T>G]CTGAAGTATATATTAAGTGGCAGAAACACTCCCAGCTTCTCAAGGACAGTGATTTTAGTT-3'
Protein context (NP_000042.3, residues 2189-2209): FSRSVTHRQL[Ser2199Ala]EVYIKWQKHS

ClinVar aggregate classification (germline): Uncertain significance (1 of 4 stars; one submission).

Conditions:
Hereditary cancer-predisposing syndrome. Also called: Tumor predisposition; Hereditary Cancer Syndrome; Neoplastic Syndromes, Hereditary; Hereditary neoplastic syndrome. Identifiers: Orphanet 140162, MedGen C0027672, MeSH D009386, MONDO:0015356.

gnomAD v4.1: 1 of 1,603,604 alleles (0.000062%); highest among the groups gnomAD compares: East Asian, 0.0023%; no homozygotes.

Submission:

Ambry Genetics
Classification: Uncertain significance for Hereditary cancer-predisposing syndrome. Last evaluated: 2024-10-29. Review status: criteria provided, single submitter. Criteria: Ambry Variant Classification Scheme 2023. Collection method: clinical testing. Allele origin: germline.
Comment: The p.S2199A variant (also known as c.6595T>G), located in coding exon 45 of the ATM gene, results from a T to G substitution at nucleotide position 6595. The serine at codon 2199 is replaced by alanine, an amino acid with similar properties. This amino acid position is conserved. In addition, this alteration is predicted to be tolerated by in silico analysis. Based on the available evidence, the clinical significance of this variant remains unclear.